The following is an entry in ClinVar:

ClinVar aggregate classification (germline): Uncertain significance. Review status: criteria provided, multiple submitters, no conflicts (2 of 4 stars). 2 submissions from 2 submitters: Uncertain significance (2). Last evaluated 2026-04-11.

Conditions:
Cardiovascular phenotype. Identifiers: MedGen CN230736.

Submissions (2):

Ambry Genetics
Classification: Uncertain significance for Cardiovascular phenotype. Last evaluated: 2026-04-11. Review status: criteria provided, single submitter. Criteria: Ambry Variant Classification Scheme 2023. Collection method: clinical testing. Allele origin: germline.
Comment: The p.P517T variant (also known as c.1549C>A), located in coding exon 17 of the TXNRD2 gene, results from a C to A substitution at nucleotide position 1549. The proline at codon 517 is replaced by threonine, an amino acid with highly similar properties. This amino acid position is conserved. In addition, this alteration is predicted to be tolerated by in silico analysis. Based on the available evidence, the clinical significance of this variant remains unclear.

GeneDx
Classification: Uncertain significance. Last evaluated: 2024-12-10. Review status: criteria provided, single submitter. Criteria: GeneDx Variant Classification Process June 2021. Collection method: clinical testing. Allele origin: germline. Affected: yes.
Comment: Not observed at significant frequency in large population cohorts (gnomAD); In silico analysis supports that this missense variant has a deleterious effect on protein structure/function; Has not been previously published as pathogenic or benign to our knowledge

NM_006440.5(TXNRD2):c.1549C>A (p.Pro517Thr)

Gene: TXNRD2 (thioredoxin reductase 2; minus strand). Cytogenetic location: 22q11.21.
Variant type: single nucleotide variant.
Coding change: c.1549C>A on transcript NM_006440.5 (MANE Select); coding-DNA position 1549, C replaced by A.
Protein change: p.Pro517Thr; replaces proline 517 with threonine.
Molecular consequence: missense variant. On other transcripts: non-coding transcript variant (1).
Genome position (GRCh38, 1-based): chr22:19,877,131, G>T on the plus strand (C>A on the coding strand, the complement: TXNRD2 is on the minus strand). VCF-style: chr22-19877131-G-T. GRCh37 (hg19) VCF-style: chr22-19864654-G-T.
Other names: c.1546C>A, p.Pro516Thr (NM_001352300.2); c.1459C>A, p.Pro487Thr (NM_001352301.2); c.1261C>A, p.Pro421Thr (NM_001352302.2); short protein forms P421T, P487T, P516T, P517T.
Identifiers: ClinVar variation 3902856 (VCV003902856.2).